The following is an entry in ClinVar:

NM_015046.7(SETX):c.2669A>G (p.His890Arg)

Gene: SETX (senataxin; minus strand). Cytogenetic location: 9q34.13.
Variant type: single nucleotide variant.
Coding change: c.2669A>G on transcript NM_015046.7 (MANE Select); coding-DNA position 2669, A replaced by G.
Protein change: p.His890Arg; replaces histidine 890 with arginine.
Molecular consequence: missense variant.
Genome position (GRCh38, 1-based): chr9:132,328,929, T>C on the plus strand (A>G on the coding strand, the complement: SETX is on the minus strand). VCF-style: chr9-132328929-T-C. GRCh37 (hg19) VCF-style: chr9-135204316-T-C.
Other names: c.2669A>G, p.His890Arg (NM_001351527.2, NM_001351528.2); short protein forms H890R.
Identifiers: ClinVar variation 1309957 (VCV001309957.2), dbSNP rs2131450125, ClinGen allele CA375334500.

ClinVar aggregate classification (germline): Uncertain significance (1 of 4 stars; one submission).

Allele frequency attached by ClinVar (database versions not stated): gnomAD exomes below 0.00001.
gnomAD v4.1: 2 of 1,612,792 alleles (0.00012%); highest among the groups gnomAD compares: Non-Finnish European, 0.00017%; no homozygotes.

Submission:

GeneDx
Classification: Uncertain significance. Last evaluated: 2019-11-21. Review status: criteria provided, single submitter. Criteria: GeneDx Variant Classification Process June 2021. Collection method: clinical testing. Allele origin: germline. Affected: yes.
Comment: Not observed in large population cohorts (Lek et al., 2016); In silico analysis, which includes protein predictors and evolutionary conservation, supports that this variant does not alter protein structure/function; Has not been previously published as pathogenic or benign to our knowledge